The following is an entry in ClinVar:

NM_001351132.2(PEX5):c.114C>A (p.Gly38=)

Gene: PEX5 (peroxisomal biogenesis factor 5; plus strand). Cytogenetic location: 12p13.31.
Variant type: single nucleotide variant.
Coding change: c.114C>A on transcript NM_001351132.2 (MANE Select); coding-DNA position 114, C replaced by A.
Protein change: p.Gly38=; no amino-acid change (glycine 38 retained).
Molecular consequence: synonymous variant.
Genome position (GRCh38, 1-based): chr12:7,190,491, C>A. VCF-style: chr12-7190491-C-A. GRCh37 (hg19) VCF-style: chr12-7343087-C-A.
Other names: c.114C>A, p.Gly38= (NM_000319.5, NM_001131023.2, NM_001131024.2 and 22 more transcripts).
Identifiers: ClinVar variation 4998625 (VCV004998625.1).
Genomic context (GRCh38, chr12:7,190,491, plus strand): 5'-GAAGCTCGCCGGGCACTTCACCCAGGACAAGGCCCTTCGGCAGGAGGGATTGAGGCCTGG[C>A]CCCTGGCCCCCCGGAGCCCCGGCCTCTGAGGCAGTGAGTGTTCTTGAGGTGGAAAGCCCA-3'
Protein context (NP_001338061.1, residues 28-48): KALRQEGLRP[Gly38=]PWPPGAPASE

ClinVar aggregate classification (germline): Likely benign (1 of 4 stars; one submission).

Conditions:
PEX5-related disorder. Also called: PEX5-Related Disorders; PEX5-related condition.

Submission:

PreventionGenetics, part of Exact Sciences
Classification: Likely benign for PEX5-related condition. Last evaluated: 2025-07-03. Review status: criteria provided, single submitter. Criteria: ACMG Guidelines, 2015. Collection method: clinical testing. Allele origin: germline.
Comment: This variant is classified as likely benign based on ACMG/AMP sequence variant interpretation guidelines (Richards et al. 2015 PMID: 25741868, with internal and published modifications).